The following is an entry in ClinVar:

NM_000214.3(JAG1):c.1971C>T (p.Asp657=)

Gene: JAG1 (jagged canonical Notch ligand 1; minus strand). Cytogenetic location: 20p12.2.
Variant type: single nucleotide variant.
Coding change: c.1971C>T on transcript NM_000214.3 (MANE Select); coding-DNA position 1971, C replaced by T.
Protein change: p.Asp657=; no amino-acid change (aspartic acid 657 retained).
Molecular consequence: synonymous variant.
Genome position (GRCh38, 1-based): chr20:10,645,999, G>A on the plus strand (C>T on the coding strand, the complement: JAG1 is on the minus strand). VCF-style: chr20-10645999-G-A. GRCh37 (hg19) VCF-style: chr20-10626647-G-A.
Other names: c.1971C>T, p.Asp657= (LRG_1191t1).
Identifiers: ClinVar variation 593608 (VCV000593608.23), dbSNP rs368661822, ClinGen allele CA9764696.

ClinVar aggregate classification (germline): Conflicting classifications of pathogenicity. Review status: criteria provided, conflicting classifications (1 of 4 stars). 6 submissions from 6 submitters: Uncertain significance (1); Likely benign (4). 1 of the submissions does not count toward it. Last evaluated 2025-11-01.

Conditions:
Alagille syndrome due to a JAG1 point mutation. Also called: JAG1-Related Alagille Syndrome; Alagille Syndrome 1; HEPATIC DUCTULAR HYPOPLASIA, SYNDROMATIC. Identifiers: Orphanet 261619, Orphanet 52, MedGen C1956125, MONDO:0016862, OMIM 118450.
Cardiovascular phenotype. Identifiers: MedGen CN230736.
JAG1-related disorder. Also called: JAG1-related disorders; JAG1-related condition.

Allele frequency attached by ClinVar (database versions not stated): gnomAD 0.00001 and 0.00002; gnomAD exomes 0.00001 and 0.00003; ExAC 0.00002; TOPMed 0.00003; ESP Exome Variant Server 0.00008; 1000 Genomes Project 30x 0.00016; 1000 Genomes Project 0.00020.
gnomAD v4.1: 19 of 1,613,432 alleles (0.0012%); highest among the groups gnomAD compares: Admixed American, 0.0067%; no homozygotes.

Submissions (6):

CeGaT Center for Human Genetics Tuebingen
Classification: Likely benign. Last evaluated: 2025-11-01. Review status: criteria provided, single submitter. Criteria: CeGaT Center For Human Genetics Tuebingen Variant Classification Criteria Version 2. Collection method: clinical testing. Allele origin: germline. Affected: yes. Observed: 1 variant allele.
Comment: JAG1: BP4, BP7

Labcorp Genetics (formerly Invitae), Labcorp
Classification: Likely benign for Alagille syndrome due to a JAG1 point mutation. Last evaluated: 2025-10-01. Review status: criteria provided, single submitter. Criteria: Invitae Variant Classification Sherloc (09022015). Collection method: clinical testing. Allele origin: germline.

Ambry Genetics
Classification: Likely benign for Cardiovascular phenotype. Last evaluated: 2022-08-16. Review status: criteria provided, single submitter. Criteria: Ambry Variant Classification Scheme 2023. Collection method: clinical testing. Allele origin: germline.

Blueprint Genetics
Classification: Likely benign. Last evaluated: 2019-11-26. Review status: criteria provided, single submitter. Criteria: ACMG Guidelines, 2015. Collection method: clinical testing. Allele origin: germline.

Eurofins Ntd Llc (ga)
Classification: Uncertain significance. Last evaluated: 2017-08-10. Review status: criteria provided, single submitter. Criteria: EGL Classification Definitions 2015. Collection method: clinical testing. Allele origin: germline. Observed: 1 variant allele, 1 heterozygote.

PreventionGenetics, part of Exact Sciences
Classification: Likely benign for JAG1-related condition. Last evaluated: 2021-05-07. Review status: no assertion criteria provided. Collection method: clinical testing. Allele origin: germline. Not counted in ClinVar's aggregate classification.
Comment: This variant is classified as likely benign based on ACMG/AMP sequence variant interpretation guidelines (Richards et al. 2015 PMID: 25741868, with internal and published modifications).